The following is an entry in ClinVar:

NM_213599.3(ANO5):c.2243T>G (p.Ile748Ser)

Gene: ANO5 (anoctamin 5; plus strand). Cytogenetic location: 11p14.3.
Variant type: single nucleotide variant.
Coding change: c.2243T>G on transcript NM_213599.3 (MANE Select); coding-DNA position 2243, T replaced by G.
Protein change: p.Ile748Ser; replaces isoleucine 748 with serine.
Molecular consequence: missense variant.
Genome position (GRCh38, 1-based): chr11:22,274,576, T>G. VCF-style: chr11-22274576-T-G. GRCh37 (hg19) VCF-style: chr11-22296122-T-G.
Other names: c.2240T>G, p.Ile747Ser (NM_001142649.2); c.2201T>G, p.Ile734Ser (NM_001410963.1); c.2198T>G, p.Ile733Ser (NM_001410964.1); short protein forms I734S, I748S, I733S, I747S.
Identifiers: ClinVar variation 2948470 (VCV002948470.3), dbSNP rs748501553, ClinGen allele CA5923510.

ClinVar aggregate classification (germline): Uncertain significance (1 of 4 stars; one submission).

Conditions:
Gnathodiaphyseal dysplasia (GDD). Also called: GNATHODIAPHYSEAL SCLEROSIS; OSTEOGENESIS IMPERFECTA WITH UNUSUAL SKELETAL LESIONS. Identifiers: Orphanet 53697, MedGen C1833736, MONDO:0008151, OMIM 166260.
Autosomal recessive limb-girdle muscular dystrophy type 2L (LGMDR12). Also called: Limb-girdle muscular dystrophy, type 2L; MUSCULAR DYSTROPHY, LIMB-GIRDLE, AUTOSOMAL RECESSIVE 12; Limb-Girdle Muscular Dystrophy R12 Anoctamin-5-Related (LGMD-R12). Identifiers: Orphanet 206549, MedGen C1969785, MONDO:0012652, OMIM 611307.

Allele frequency attached by ClinVar (database versions not stated): gnomAD 0.00001; gnomAD exomes 0.00003; TOPMed 0.00003; ExAC 0.00006.
gnomAD v4.1: 46 of 1,598,604 alleles (0.0029%); highest among the groups gnomAD compares: East Asian, 0.076%; no homozygotes.

Submission:

Labcorp Genetics (formerly Invitae), Labcorp
Classification: Uncertain significance for Autosomal recessive limb-girdle muscular dystrophy type 2L; Gnathodiaphyseal dysplasia. Last evaluated: 2025-10-03. Review status: criteria provided, single submitter. Criteria: Invitae Variant Classification Sherloc (09022015). Collection method: clinical testing. Allele origin: germline.
Comment: This sequence change replaces isoleucine, which is neutral and non-polar, with serine, which is neutral and polar, at codon 748 of the ANO5 protein (p.Ile748Ser). This variant is present in population databases (rs748501553, gnomAD 0.08%). This variant has not been reported in the literature in individuals affected with ANO5-related conditions. ClinVar contains an entry for this variant (Variation ID: 2948470). Invitae Evidence Modeling of protein sequence and biophysical properties (such as structural, functional, and spatial information, amino acid conservation, physicochemical variation, residue mobility, and thermodynamic stability) indicates that this missense variant is expected to disrupt ANO5 protein function with a positive predictive value of 95%. In summary, the available evidence is currently insufficient to determine the role of this variant in disease. Therefore, it has been classified as a Variant of Uncertain Significance.